The following is an entry in ClinVar:

ClinVar aggregate classification (germline): Benign (0 of 4 stars; one submission).

Conditions:
TNS1-related disorder. Also called: TNS1-related condition.

Allele frequency attached by ClinVar (database versions not stated): ExAC 0.01380; gnomAD 0.02320; TOPMed 0.02574; 1000 Genomes Project 0.02656; ESP Exome Variant Server 0.02660; 1000 Genomes Project 30x 0.02842.
gnomAD v4.1: 6,928 of 1,597,266 alleles (0.43%); highest among the groups gnomAD compares: African/African-American, 8.2%; 298 homozygotes.

Submission:

PreventionGenetics, part of Exact Sciences
Classification: Benign for TNS1-related condition. Last evaluated: 2019-03-26. Review status: no assertion criteria provided. Collection method: clinical testing. Allele origin: germline.
Comment: This variant is classified as benign based on ACMG/AMP sequence variant interpretation guidelines (Richards et al. 2015 PMID: 25741868, with internal and published modifications).

NM_001387777.1(TNS1):c.897C>T (p.Ser299=)

Gene: TNS1 (tensin 1; minus strand). Cytogenetic location: 2q35.
Variant type: single nucleotide variant.
Coding change: c.897C>T on transcript NM_001387777.1 (MANE Select); coding-DNA position 897, C replaced by T.
Protein change: p.Ser299=; no amino-acid change (serine 299 retained).
Molecular consequence: synonymous variant.
Genome position (GRCh38, 1-based): chr2:217,886,616, G>A on the plus strand (C>T on the coding strand, the complement: TNS1 is on the minus strand). VCF-style: chr2-217886616-G-A. GRCh37 (hg19) VCF-style: chr2-218751339-G-A.
Other names: c.522C>T, p.Ser174= (NM_001308022.2, NM_001308023.2, NM_022648.7).
Identifiers: ClinVar variation 3041480 (VCV003041480.2), dbSNP rs13419876, ClinGen allele CA2100712.